The following is an entry in ClinVar:

ClinVar aggregate classification (germline): Uncertain significance (1 of 4 stars; one submission).

Conditions:
Citrullinemia. Identifiers: Orphanet 187, MedGen C0175683, MONDO:0015991.

Allele frequency attached by ClinVar (database versions not stated): gnomAD exomes 0.00001; ExAC 0.00002.

Submission:

Labcorp Genetics (formerly Invitae), Labcorp
Classification: Uncertain significance for Citrullinemia. Last evaluated: 2022-06-29. Review status: criteria provided, single submitter. Criteria: Invitae Variant Classification Sherloc (09022015). Collection method: clinical testing. Allele origin: germline.
Comment: This sequence change replaces methionine, which is neutral and non-polar, with leucine, which is neutral and non-polar, at codon 161 of the ASS1 protein (p.Met161Leu). This variant is present in population databases (rs775699839, gnomAD 0.02%). This variant has not been reported in the literature in individuals affected with ASS1-related conditions. Algorithms developed to predict the effect of missense changes on protein structure and function (SIFT, PolyPhen-2, Align-GVGD) all suggest that this variant is likely to be tolerated. In summary, the available evidence is currently insufficient to determine the role of this variant in disease. Therefore, it has been classified as a Variant of Uncertain Significance.

NM_054012.4(ASS1):c.481A>T (p.Met161Leu)

Gene: ASS1 (argininosuccinate synthase 1; plus strand). Cytogenetic location: 9q34.11.
Variant type: single nucleotide variant.
Coding change: c.481A>T on transcript NM_054012.4 (MANE Select); coding-DNA position 481, A replaced by T.
Protein change: p.Met161Leu; replaces methionine 161 with leucine.
Molecular consequence: missense variant.
Genome position (GRCh38, 1-based): chr9:130,466,785, A>T. VCF-style: chr9-130466785-A-T. GRCh37 (hg19) VCF-style: chr9-133342172-A-T.
Other names: c.481A>T, p.Met161Leu (NM_000050.4); short protein forms M161L.
Identifiers: ClinVar variation 1896660 (VCV001896660.2), dbSNP rs775699839, ClinGen allele CA5283299.